The following is an entry in ClinVar:

NM_000135.4(FANCA):c.2222+1G>C

Gene: FANCA (FA complementation group A; minus strand). Cytogenetic location: 16q24.3.
Variant type: single nucleotide variant.
Coding change: c.2222+1G>C on transcript NM_000135.4 (MANE Select); the canonical splice donor site of the intron after coding-DNA position 2222, G replaced by C.
Molecular consequence: splice donor variant.
Genome position (GRCh38, 1-based): chr16:89,770,563, C>G on the plus strand (G>C on the coding strand, the complement: FANCA is on the minus strand). VCF-style: chr16-89770563-C-G. GRCh37 (hg19) VCF-style: chr16-89836971-C-G.
Other names: c.2222+1G>C (NM_001286167.3).
Identifiers: ClinVar variation 554467 (VCV000554467.4), dbSNP rs775388912, ClinGen allele CA397446969.
Genomic context (GRCh38, chr16:89,770,563, plus strand): 5'-GCCCAGCAAGAGGTGGCACCCAGAGGAGCCCCACCACTCAGGGAGCTGCCCGCGCCTTCA[C>G]CTCTCCGGGGGAGCGACACTGGAGGCAGCCATCAGGTTCTGACAGAAAGACGTCAGCAGG-3'

ClinVar aggregate classification (germline): Pathogenic/Likely pathogenic. Review status: no assertion criteria provided (0 of 4 stars). 2 submissions from 2 submitters: Pathogenic (1); Likely pathogenic (1). Last evaluated 2020-02-28.

Conditions:
Fanconi anemia complementation group A (FANCA). Also called: FANCA-Related Fanconi Anemia; Fanconi anemia, group A. Identifiers: Orphanet 84, MedGen C3469521, MONDO:0009215, OMIM 227650.

gnomAD v4.1: 1 of 1,607,684 alleles (0.000062%); highest among the groups gnomAD compares: Non-Finnish European, 0.000085%; no homozygotes.

Submissions (2):

Leiden Open Variation Database
Classification: Pathogenic for Fanconi anemia complementation group A. Last evaluated: 2020-02-28. Review status: no assertion criteria provided. Collection method: curation. Allele origin: germline. Affected: yes.
Comment: Curator: Arleen D. Auerbach. Submitter to LOVD: Arleen D. Auerbach.

Counsyl
Classification: Likely pathogenic for Fanconi anemia complementation group A. Last evaluated: 2017-10-19. Review status: no assertion criteria provided. Collection method: clinical testing. Allele origin: unknown.